The following is an entry in ClinVar:

ClinVar aggregate classification (germline): Conflicting classifications of pathogenicity. Review status: criteria provided, conflicting classifications (1 of 4 stars). 7 submissions from 7 submitters: Uncertain significance (6); Likely benign (1). Last evaluated 2025-05-08.

Conditions:
Inborn genetic diseases. Identifiers: MedGen C0950123, MeSH D030342.
Cerebral folate transport deficiency. Also called: FOLR1-Related Cerebral Folate Transport Deficiency; FOLATE RECEPTOR DEFICIENCY; Cerebral folate deficiency syndrome; NEURODEGENERATION DUE TO CEREBRAL FOLATE TRANSPORT DEFICIENCY; Neurodegenerative syndrome due to cerebral folate transport deficiency. Identifiers: Orphanet 217382, MedGen C2751584, MONDO:0013110, OMIM 613068. Disease mechanism: loss of function.

Allele frequency attached by ClinVar (database versions not stated): gnomAD 0.00010; TOPMed 0.00010; ESP Exome Variant Server 0.00015; ExAC 0.00016; gnomAD exomes 0.00016.

Submissions (7):

GeneDx
Classification: Uncertain significance. Last evaluated: 2025-05-08. Review status: criteria provided, single submitter. Criteria: GeneDx Variant Classification Process June 2021. Collection method: clinical testing. Allele origin: germline. Affected: yes.
Comment: In silico analysis suggests that this missense variant does not alter protein structure/function; Has not been previously published as pathogenic or benign to our knowledge

Blueprint Genetics
Classification: Uncertain significance. Last evaluated: 2024-09-05. Review status: criteria provided, single submitter. Criteria: ACMG Guidelines, 2015. Collection method: clinical testing. Allele origin: germline.

ARUP Laboratories, Molecular Genetics and Genomics, ARUP Laboratories
Classification: Uncertain significance for Cerebral folate transport deficiency. Last evaluated: 2024-04-10. Review status: criteria provided, single submitter. Criteria: ARUP Molecular Germline Variant Investigation Process 2024. Collection method: clinical testing. Allele origin: germline.

Ambry Genetics
Classification: Likely benign for Inborn genetic diseases. Last evaluated: 2022-12-14. Review status: criteria provided, single submitter. Criteria: Ambry Variant Classification Scheme 2023. Collection method: clinical testing. Allele origin: germline.

Labcorp Genetics (formerly Invitae), Labcorp
Classification: Uncertain significance for Cerebral folate transport deficiency. Last evaluated: 2022-10-17. Review status: criteria provided, single submitter. Criteria: Invitae Variant Classification Sherloc (09022015). Collection method: clinical testing. Allele origin: germline.
Comment: This sequence change replaces alanine, which is neutral and non-polar, with valine, which is neutral and non-polar, at codon 240 of the FOLR1 protein (p.Ala240Val). This variant is present in population databases (rs147155003, gnomAD 0.03%). This variant has not been reported in the literature in individuals affected with FOLR1-related conditions. ClinVar contains an entry for this variant (Variation ID: 197830). Algorithms developed to predict the effect of missense changes on protein structure and function are either unavailable or do not agree on the potential impact of this missense change (SIFT: "Tolerated"; PolyPhen-2: "Not Available"; Align-GVGD: "Class C0"). In summary, the available evidence is currently insufficient to determine the role of this variant in disease. Therefore, it has been classified as a Variant of Uncertain Significance.

Illumina Laboratory Services, Illumina
Classification: Uncertain significance for Cerebral folate transport deficiency. Last evaluated: 2018-01-15. Review status: criteria provided, single submitter. Criteria: ICSL Variant Classification Criteria 13 December 2019. Collection method: clinical testing. Allele origin: germline.

Eurofins Ntd Llc (ga)
Classification: Uncertain significance. Last evaluated: 2015-04-08. Review status: criteria provided, single submitter. Criteria: EGL Classification Definitions 2015. Collection method: clinical testing. Allele origin: germline. Observed: 1 variant allele, 1 heterozygote.

NM_016729.3(FOLR1):c.719C>T (p.Ala240Val)

Genes: FOLR1 (folate receptor alpha; plus strand), FOLR1-AS1 (FOLR1 antisense RNA 1; minus strand). Cytogenetic location: 11q13.4.
Variant type: single nucleotide variant.
Coding change: c.719C>T on transcript NM_016729.3 (MANE Select); coding-DNA position 719, C replaced by T.
Protein change: p.Ala240Val; replaces alanine 240 with valine.
Molecular consequence: missense variant.
Genome position (GRCh38, 1-based): chr11:72,196,122, C>T. VCF-style: chr11-72196122-C-T. GRCh37 (hg19) VCF-style: chr11-71907166-C-T.
Other names: p.A240V:GCA>GTA; c.719C>T, p.Ala240Val (NM_000802.3, NM_016724.3, NM_016725.3); short protein forms A240V.
Identifiers: ClinVar variation 197830 (VCV000197830.22), dbSNP rs147155003, ClinGen allele CA246187.